The following is an entry in ClinVar:

ClinVar aggregate classification (germline): Likely benign. Review status: criteria provided, single submitter (1 of 4 stars). 2 submissions from 2 submitters: Likely benign (1). 1 of the submissions does not count toward it. Last evaluated 2019-12-05.

Conditions:
NUP155-related disorder. Also called: NUP155-related condition.

Allele frequency attached by ClinVar (database versions not stated): 1000 Genomes Project 30x 0.00031.
gnomAD v4.1: 23 of 1,614,054 alleles (0.0014%); highest among the groups gnomAD compares: East Asian, 0.045%; no homozygotes.

Submissions (2):

Blueprint Genetics
Classification: Likely benign. Last evaluated: 2019-12-05. Review status: criteria provided, single submitter. Criteria: ACMG Guidelines, 2015. Collection method: clinical testing. Allele origin: germline.

PreventionGenetics, part of Exact Sciences
Classification: Likely benign for NUP155-related condition. Last evaluated: 2019-04-16. Review status: no assertion criteria provided. Collection method: clinical testing. Allele origin: germline. Not counted in ClinVar's aggregate classification.
Comment: This variant is classified as likely benign based on ACMG/AMP sequence variant interpretation guidelines (Richards et al. 2015 PMID: 25741868, with internal and published modifications).

NM_153485.3(NUP155):c.4060C>T (p.Leu1354=)

Gene: NUP155 (nucleoporin 155; minus strand). Cytogenetic location: 5p13.2.
Variant type: single nucleotide variant.
Coding change: c.4060C>T on transcript NM_153485.3 (MANE Select); coding-DNA position 4060, C replaced by T.
Protein change: p.Leu1354=; no amino-acid change (leucine 1354 retained).
Molecular consequence: synonymous variant.
Genome position (GRCh38, 1-based): chr5:37,292,016, G>A on the plus strand (C>T on the coding strand, the complement: NUP155 is on the minus strand). VCF-style: chr5-37292016-G-A. GRCh37 (hg19) VCF-style: chr5-37292118-G-A.
Other names: c.3868C>T, p.Leu1290= (NM_001278312.2); c.3883C>T, p.Leu1295= (NM_004298.4).
Identifiers: ClinVar variation 3059048 (VCV003059048.3), dbSNP rs35260031, ClinGen allele CA3239248.